The following is an entry in ClinVar:

NM_015158.5(KANK1):c.1845C>G (p.Leu615=)

Gene: KANK1 (KN motif and ankyrin repeat domains 1; plus strand). Cytogenetic location: 9p24.3.
Variant type: single nucleotide variant.
Coding change: c.1845C>G on transcript NM_015158.5 (MANE Select); coding-DNA position 1845, C replaced by G.
Protein change: p.Leu615=; no amino-acid change (leucine 615 retained).
Molecular consequence: synonymous variant. On other transcripts: non-coding transcript variant (1).
Genome position (GRCh38, 1-based): chr9:712,611, C>G. VCF-style: chr9-712611-C-G. GRCh37 (hg19) VCF-style: chr9-712611-C-G.
Other names: c.1845C>G, p.Leu615= (NM_001256876.3, NM_001256877.3, NM_001354331.2 and 3 more transcripts); c.1371C>G, p.Leu457= (NM_001354333.2, NM_001354335.2, NM_001354336.2 and 10 more transcripts).
Identifiers: ClinVar variation 4990734 (VCV004990734.1).

ClinVar aggregate classification (germline): Likely benign (1 of 4 stars; one submission).

Conditions:
KANK1-related disorder. Also called: KANK1-related condition.

gnomAD v4.1: 5 of 1,614,058 alleles (0.00031%); highest among the groups gnomAD compares: African/African-American, 0.0053%; no homozygotes.

Submission:

PreventionGenetics, part of Exact Sciences
Classification: Likely benign for KANK1-related condition. Last evaluated: 2026-03-25. Review status: criteria provided, single submitter. Criteria: ACMG Guidelines, 2015. Collection method: clinical testing. Allele origin: germline.
Comment: This variant is classified as likely benign based on ACMG/AMP sequence variant interpretation guidelines (Richards et al. 2015 PMID: 25741868, with internal and published modifications).